The following is an entry in ClinVar:

NM_001253852.3(AP4B1):c.875T>C (p.Leu292Pro)

Genes: AP4B1 (adaptor related protein complex 4 subunit beta 1; minus strand), AP4B1-AS1 (AP4B1 antisense RNA 1; plus strand). Cytogenetic location: 1p13.2.
Variant type: single nucleotide variant.
Coding change: c.875T>C on transcript NM_001253852.3 (MANE Select); coding-DNA position 875, T replaced by C.
Protein change: p.Leu292Pro; replaces leucine 292 with proline.
Molecular consequence: missense variant. On other transcripts: non-coding transcript variant (2).
Genome position (GRCh38, 1-based): chr1:113,900,143, A>G on the plus strand (T>C on the coding strand, the complement: AP4B1 is on the minus strand). VCF-style: chr1-113900143-A-G. GRCh37 (hg19) VCF-style: chr1-114442765-A-G.
Other names: c.578T>C, p.Leu193Pro (NM_001253853.3); c.371T>C, p.Leu124Pro (NM_001308312.2, NM_001438376.1, NM_001438379.1); c.650T>C, p.Leu217Pro (NM_001437822.1, NM_001438377.1); c.875T>C, p.Leu292Pro (NM_001438373.1, NM_001438375.1, NM_006594.5); c.596T>C, p.Leu199Pro (NM_001438374.1, NM_001438378.1); short protein forms L217P, L193P, L292P, L199P, L124P.
Identifiers: ClinVar variation 4777581 (VCV004777581.1).

ClinVar aggregate classification (germline): Uncertain significance (1 of 4 stars; one submission).

Conditions:
Hereditary spastic paraplegia 47. Also called: CEREBRAL PALSY, SPASTIC QUADRIPLEGIC, 5; adaptor protein 4 (AP-4) deficiency syndrome; Spastic paraplegia 47, autosomal recessive. Identifiers: Orphanet 280763, MedGen C3279738, MONDO:0013551, OMIM 614066.

Submission:

Labcorp Genetics (formerly Invitae), Labcorp
Classification: Uncertain significance for Hereditary spastic paraplegia 47. Last evaluated: 2025-10-01. Review status: criteria provided, single submitter. Criteria: Invitae Variant Classification Sherloc (09022015). Collection method: clinical testing. Allele origin: germline.
Comment: This sequence change replaces leucine, which is neutral and non-polar, with proline, which is neutral and non-polar, at codon 292 of the AP4B1 protein (p.Leu292Pro). This variant is not present in population databases (gnomAD no frequency). This variant has not been reported in the literature in individuals affected with AP4B1-related conditions. Invitae Evidence Modeling of protein sequence and biophysical properties (such as structural, functional, and spatial information, amino acid conservation, physicochemical variation, residue mobility, and thermodynamic stability) indicates that this missense variant is expected to disrupt AP4B1 protein function with a positive predictive value of 80%. In summary, the available evidence is currently insufficient to determine the role of this variant in disease. Therefore, it has been classified as a Variant of Uncertain Significance.